The following is an entry in ClinVar:

ClinVar aggregate classification (germline): Uncertain significance (1 of 4 stars; one submission).

Conditions:
Marfan syndrome (MFS). Also called: FBN1-Related Marfan Syndrome; MARFAN SYNDROME, TYPE I; Marfan syndrome type 1; Marfan's syndrome; Marfan syndrome, classic. Identifiers: Orphanet 284963, Orphanet 558, MedGen C0024796, MONDO:0007947, OMIM 154700.
Familial thoracic aortic aneurysm and aortic dissection (TAAD). Also called: Thoracic aortic aneurysms and dissections. Identifiers: Orphanet 91387, MedGen C4707243, MONDO:0019625.

Submission:

Labcorp Genetics (formerly Invitae), Labcorp
Classification: Uncertain significance for Marfan syndrome; Familial thoracic aortic aneurysm and aortic dissection. Last evaluated: 2025-12-24. Review status: criteria provided, single submitter. Criteria: Invitae Variant Classification Sherloc (09022015). Collection method: clinical testing. Allele origin: germline.
Comment: This sequence change replaces arginine, which is basic and polar, with leucine, which is neutral and non-polar, at codon 1915 of the FBN1 protein (p.Arg1915Leu). This variant is not present in population databases (gnomAD no frequency). This variant has not been reported in the literature in individuals affected with FBN1-related conditions. Invitae Evidence Modeling of protein sequence and biophysical properties (such as structural, functional, and spatial information, amino acid conservation, physicochemical variation, residue mobility, and thermodynamic stability) indicates that this missense variant is not expected to disrupt FBN1 protein function with a negative predictive value of 95%. This variant disrupts the p.Arg1915 amino acid residue in FBN1. Other variant(s) that disrupt this residue have been determined to be pathogenic (PMID: 27234404, 27906200, 33174221; internal data). This suggests that this residue is clinically significant, and that variants that disrupt this residue are likely to be disease-causing. In summary, the available evidence is currently insufficient to determine the role of this variant in disease. Therefore, it has been classified as a Variant of Uncertain Significance.

Literature cited by the submitters: PubMed 27234404; PubMed 27906200; PubMed 33174221.

NM_000138.5(FBN1):c.5744G>T (p.Arg1915Leu)

Gene: FBN1 (fibrillin 1; minus strand). Cytogenetic location: 15q21.1.
Variant type: single nucleotide variant.
Coding change: c.5744G>T on transcript NM_000138.5 (MANE Select); coding-DNA position 5744, G replaced by T.
Protein change: p.Arg1915Leu; replaces arginine 1915 with leucine.
Molecular consequence: missense variant.
Genome position (GRCh38, 1-based): chr15:48,446,750, C>A on the plus strand (G>T on the coding strand, the complement: FBN1 is on the minus strand). VCF-style: chr15-48446750-C-A. GRCh37 (hg19) VCF-style: chr15-48738947-C-A.
Other names: c.5744G>T, p.Arg1915Leu (NM_001406716.1); short protein forms R1915L.
Identifiers: ClinVar variation 4793301 (VCV004793301.1).